The following is an entry in ClinVar:

NM_001085411.3(NADK2):c.1067-26G>C

Gene: NADK2 (NAD kinase 2, mitochondrial; minus strand). Cytogenetic location: 5p13.2.
Variant type: single nucleotide variant.
Coding change: c.1067-26G>C on transcript NM_001085411.3 (MANE Select); 26 bases into the intron before coding-DNA position 1067, G replaced by C.
Molecular consequence: intron variant.
Genome position (GRCh38, 1-based): chr5:36,197,690, C>G on the plus strand (G>C on the coding strand, the complement: NADK2 is on the minus strand). VCF-style: chr5-36197690-C-G. GRCh37 (hg19) VCF-style: chr5-36197792-C-G.
Other names: p.?; c.578-26G>C (NM_153013.5, NM_001287340.2); c.644-26G>C (NM_001287341.2).
Identifiers: ClinVar variation 4684831 (VCV004684831.1).

ClinVar aggregate classification (germline): Likely benign (1 of 4 stars; one submission).

gnomAD v4.1: 2 of 1,513,254 alleles (0.00013%); highest among the groups gnomAD compares: Non-Finnish European, 0.000088%; no homozygotes.

Submission:

Mayo Clinic Laboratories, Mayo Clinic
Classification: Likely benign. Last evaluated: 2025-06-20. Review status: criteria provided, single submitter. Criteria: ACMG Guidelines, 2015. Collection method: clinical testing. Allele origin: germline. Observed: 1 variant allele.
Comment: BP4, BP7